The following is an entry in ClinVar:

ClinVar aggregate classification (germline): Likely benign (1 of 4 stars; one submission).

Allele frequency attached by ClinVar (database versions not stated): ExAC 0.00001; gnomAD 0.00003.
gnomAD v4.1: 9 of 1,592,446 alleles (0.00057%); highest among the groups gnomAD compares: South Asian, 0.0056%; no homozygotes.

Submission:

CeGaT Center for Human Genetics Tuebingen
Classification: Likely benign. Last evaluated: 2023-01-01. Review status: criteria provided, single submitter. Criteria: CeGaT Center For Human Genetics Tuebingen Variant Classification Criteria Version 2. Collection method: clinical testing. Allele origin: germline. Affected: yes. Observed: 1 variant allele.
Comment: PHF21A: BP4

NM_001352027.3(PHF21A):c.1428C>T (p.Ser476=)

Gene: PHF21A (PHD finger protein 21A; minus strand). Cytogenetic location: 11p11.2.
Variant type: single nucleotide variant.
Coding change: c.1428C>T on transcript NM_001352027.3 (MANE Select); coding-DNA position 1428, C replaced by T.
Protein change: p.Ser476=; no amino-acid change (serine 476 retained).
Molecular consequence: synonymous variant. On other transcripts: non-coding transcript variant (1), intron variant (6).
Genome position (GRCh38, 1-based): chr11:45,945,864, G>A on the plus strand (C>T on the coding strand, the complement: PHF21A is on the minus strand). VCF-style: chr11-45945864-G-A. GRCh37 (hg19) VCF-style: chr11-45967415-G-A.
Other names: c.1428C>T, p.Ser476= (NM_001352026.3, NM_001352025.3); c.1308+212C>T (NM_001352030.3, NM_001352031.3, NM_001352032.3); c.1311+212C>T (NM_016621.5, NM_001352028.1, NM_001352029.1); c.1425C>T, p.Ser475= (NM_001101802.3).
Identifiers: ClinVar variation 2641737 (VCV002641737.24), dbSNP rs753842741, ClinGen allele CA5961106.
Genomic context (GRCh38, chr11:45,945,864, plus strand): 5'-CTCAGAAAGACAGTGTGCTTTTCCCAAGTTACTTACGTCTGTGGAGGTGGGGCTGGGCAG[G>A]GACACAGGCTGAACAGGTGCAGGGAAAGTGAATGTGGTCTCTGTCTTTTCATTTTCAGGG-3'
Protein context (NP_001338956.1, residues 466-486): FTFPAPVQPV[Ser476=]LPSPTSTDGD